The following is an entry in ClinVar:

NM_001267550.2(TTN):c.44537del (p.Leu14846fs)

Gene: TTN (titin; minus strand). Cytogenetic location: 2q31.2.
Variant type: Deletion.
Coding change: c.44537del on transcript NM_001267550.2 (MANE Select); coding-DNA position 44537, one base deleted (T; older notation c.44537delT).
Protein change: p.Leu14846fs; shifts the reading frame from leucine 14846.
Molecular consequence: frameshift variant.
Genome position (GRCh38, 1-based): chr2:178,625,284, A deleted on the plus strand (T on the coding strand, the reverse complement: TTN is on the minus strand). VCF-style (leftmost placement, unchanged base first): chr2-178625283-GA-G. GRCh37 (hg19) VCF-style: chr2-179490010-GA-G.
Other names: c.39614del, p.Leu13205fs (NM_001256850.1); c.17342del, p.Leu5781fs (NM_003319.4); c.36833del, p.Leu12278fs (NM_133378.4); c.17717del, p.Leu5906fs (NM_133432.3); c.17918del, p.Leu5973fs (NM_133437.4); short protein forms L12278fs, L13205fs, L14846fs, L5781fs, L5906fs, L5973fs.
Identifiers: ClinVar variation 1008486 (VCV001008486.9), dbSNP rs2058861849, ClinGen allele CA1310553834.
Genomic context (GRCh38, chr2:178,625,283, plus strand): 5'-TTCATGAGCCTCTGCCTTATACATGTTTTTAAAATAAGCCTTGTAATTACCTTTCACAAA[GA>G]GGTTGGCGTGAGTTTTGAAATCTTTTGCTGTTAGTTGGACTTCCCCAGCATCTTCTAACT-3'

ClinVar aggregate classification (germline): Likely pathogenic (1 of 4 stars; one submission).

Conditions:
Dilated cardiomyopathy 1G (CMD1G). Identifiers: Orphanet 154, MedGen C1858763, MONDO:0011400, OMIM 604145.
Autosomal recessive limb-girdle muscular dystrophy type 2J (LGMDR10). Also called: Limb-girdle muscular dystrophy, type 2J; MUSCULAR DYSTROPHY, LIMB-GIRDLE, AUTOSOMAL RECESSIVE 10. Identifiers: Orphanet 140922, MedGen C1837342, MONDO:0012127, OMIM 608807.

Submission:

Labcorp Genetics (formerly Invitae), Labcorp
Classification: Likely pathogenic for Dilated cardiomyopathy 1G; Autosomal recessive limb-girdle muscular dystrophy type 2J. Last evaluated: 2025-09-29. Review status: criteria provided, single submitter. Criteria: Invitae Variant Classification Sherloc (09022015). Collection method: clinical testing. Allele origin: germline.
Comment: This sequence change creates a premature translational stop signal (p.Leu14846Profs*3) in the TTN gene. While this is not anticipated to result in nonsense mediated decay, it is expected to create a truncated TTN protein. This variant is not present in population databases (gnomAD no frequency). This variant has not been observed in the literature in individuals with autosomal recessive TTN-related conditions. This variant has been reported in individual(s) with autosomal dominant dilated cardiomyopathy (internal data); however, the role of the variant in this condition is currently unclear. ClinVar contains an entry for this variant (Variation ID: 1008486). This variant is located in the I band of TTN (PMID: 25589632). Truncating variants in this region have been reported in individuals affected with autosomal recessive centronuclear myopathy (PMID: 23975875, internal data). Truncating variants in this region have also been identified in individuals affected with autosomal dominant dilated cardiomyopathy and/or cardio-related conditions (PMID: 27869827, 32964742, internal data). In summary, the currently available evidence indicates that the variant is pathogenic, but additional data are needed to prove that conclusively. Therefore, this variant has been classified as Likely Pathogenic.

Literature cited by the submitters: PubMed 25589632; PubMed 23975875; PubMed 27869827; PubMed 32964742.